The following is an entry in ClinVar:

ClinVar aggregate classification (germline): Conflicting classifications of pathogenicity. Review status: criteria provided, conflicting classifications (1 of 4 stars). 7 submissions from 7 submitters: Uncertain significance (6); Likely benign (1). Last evaluated 2026-01-31.

Conditions:
Hereditary cancer-predisposing syndrome. Also called: Neoplastic Syndromes, Hereditary; Tumor predisposition; Hereditary neoplastic syndrome; Hereditary Cancer Syndrome. Identifiers: Orphanet 140162, MedGen C0027672, MeSH D009386, MONDO:0015356.
Neuroblastoma, susceptibility to, 3. Also called: ALK-Related Neuroblastic Tumor Susceptibility. Identifiers: Orphanet 635, MedGen C2751681, MONDO:0013083, OMIM 613014.

Allele frequency attached by ClinVar (database versions not stated): TOPMed 0.00011; gnomAD 0.00018; ESP Exome Variant Server 0.00031.
gnomAD v4.1: 52 of 1,614,182 alleles (0.0032%); highest among the groups gnomAD compares: African/African-American, 0.047%; no homozygotes.

Submissions (7):

Labcorp Genetics (formerly Invitae), Labcorp
Classification: Uncertain significance for Neuroblastoma, susceptibility to, 3. Last evaluated: 2026-01-31. Review status: criteria provided, single submitter. Criteria: Invitae Variant Classification Sherloc (09022015). Collection method: clinical testing. Allele origin: germline.
Comment: This sequence change replaces serine, which is neutral and polar, with leucine, which is neutral and non-polar, at codon 1086 of the ALK protein (p.Ser1086Leu). This variant is present in population databases (rs138589984, gnomAD 0.05%), and has an allele count higher than expected for a pathogenic variant. This variant has not been reported in the literature in individuals affected with ALK-related conditions. ClinVar contains an entry for this variant (Variation ID: 239820). An algorithm developed to predict the effect of missense changes on protein structure and function (PolyPhen-2) suggests that this variant is likely to be tolerated. In summary, the available evidence is currently insufficient to determine the role of this variant in disease. Therefore, it has been classified as a Variant of Uncertain Significance.

Ambry Genetics
Classification: Likely benign for Hereditary cancer-predisposing syndrome. Last evaluated: 2024-06-25. Review status: criteria provided, single submitter. Criteria: Ambry Variant Classification Scheme 2023. Collection method: clinical testing. Allele origin: germline.

Fulgent Genetics
Classification: Uncertain significance for Neuroblastoma, susceptibility to, 3. Last evaluated: 2024-05-15. Review status: criteria provided, single submitter. Criteria: ACMG Guidelines, 2015. Collection method: clinical testing. Allele origin: germline.

Baylor Genetics
Classification: Uncertain significance for Neuroblastoma, susceptibility to, 3. Last evaluated: 2024-02-21. Review status: criteria provided, single submitter. Criteria: ACMG Guidelines, 2015. Collection method: clinical testing. Allele origin: unknown.

GeneDx
Classification: Uncertain significance. Last evaluated: 2023-11-08. Review status: criteria provided, single submitter. Criteria: GeneDx Variant Classification Process June 2021. Collection method: clinical testing. Allele origin: germline. Affected: yes.
Comment: In silico analysis supports that this missense variant has a deleterious effect on protein structure/function; Has not been previously published as pathogenic or benign to our knowledge; This variant is associated with the following publications: (PMID: 27930734, 25801821, 34298235)

Sema4
Classification: Uncertain significance for Hereditary cancer-predisposing syndrome. Last evaluated: 2021-06-09. Review status: criteria provided, single submitter. Criteria: Sema4 Curation Guidelines. Collection method: curation. Allele origin: germline.
Comment: The ALK c.3257C>T (p.S1086L) variant has been reported in an individual who died from unknown cause in one study (PMID: 27930734) and as a somatic variant by another study (PMID 25801821). It was observed in 14/24954 chromosomes in the African/African American subpopulation in the large and broad cohorts of the Genome Aggregation Database (PMID: 32461654). The subpopulation frequency of this variant is higher than expected for a pathogenic variant based on disease/syndrome prevalence and penetrance. This variant has been reported in ClinVar (Variation ID: 239820). Functional studies have not been performed, and in silico predictions of the variant's effect on protein function are inconclusive. The evidence is insufficient to meet ACMG/AMP criteria for classifying the variant as benign or pathogenic. Thus, the clinical significance of this variant is currently uncertain.

Illumina Laboratory Services, Illumina
Classification: Uncertain significance for Neuroblastoma, susceptibility to, 3. Last evaluated: 2018-01-12. Review status: criteria provided, single submitter. Criteria: ICSL Variant Classification Criteria 13 December 2019. Collection method: clinical testing. Allele origin: germline.

Literature cited by the submitters: PubMed 27930734 (cited by Sema4); PubMed 25801821 (cited by Sema4).

NM_004304.5(ALK):c.3257C>T (p.Ser1086Leu)

Gene: ALK (ALK receptor tyrosine kinase; minus strand). Cytogenetic location: 2p23.2.
Variant type: single nucleotide variant.
Coding change: c.3257C>T on transcript NM_004304.5 (MANE Select); coding-DNA position 3257, C replaced by T.
Protein change: p.Ser1086Leu; replaces serine 1086 with leucine.
Molecular consequence: missense variant.
Genome position (GRCh38, 1-based): chr2:29,223,444, G>A on the plus strand (C>T on the coding strand, the complement: ALK is on the minus strand). VCF-style: chr2-29223444-G-A. GRCh37 (hg19) VCF-style: chr2-29446310-G-A.
Other names: c.53C>T, p.Ser18Leu (NM_001353765.2); short protein forms S1086L, S18L.
Identifiers: ClinVar variation 239820 (VCV000239820.19), dbSNP rs138589984, ClinGen allele CA1594025.